The following is an entry in ClinVar:

ClinVar aggregate classification (germline): Uncertain significance (1 of 4 stars; one submission).

Conditions:
Fanconi anemia (FA). Also called: Fanconi's anemia. Identifiers: Orphanet 84, MedGen C0015625, MeSH D005199, MONDO:0019391.

Allele frequency attached by ClinVar (database versions not stated): ExAC 0.00001; gnomAD exomes 0.00001.
gnomAD v4.1: 3 of 1,610,928 alleles (0.00019%); highest among the groups gnomAD compares: Non-Finnish European, 0.00025%; no homozygotes.

Submission:

Labcorp Genetics (formerly Invitae), Labcorp
Classification: Uncertain significance for Fanconi anemia. Last evaluated: 2024-02-26. Review status: criteria provided, single submitter. Criteria: Invitae Variant Classification Sherloc (09022015). Collection method: clinical testing. Allele origin: germline.
Comment: This sequence change replaces threonine, which is neutral and polar, with alanine, which is neutral and non-polar, at codon 246 of the FANCL protein (p.Thr246Ala). This variant is present in population databases (rs746678210, gnomAD 0.0009%). This variant has not been reported in the literature in individuals affected with FANCL-related conditions. Advanced modeling of protein sequence and biophysical properties (such as structural, functional, and spatial information, amino acid conservation, physicochemical variation, residue mobility, and thermodynamic stability) performed at Invitae indicates that this missense variant is not expected to disrupt FANCL protein function with a negative predictive value of 80%. In summary, the available evidence is currently insufficient to determine the role of this variant in disease. Therefore, it has been classified as a Variant of Uncertain Significance.

NM_018062.4(FANCL):c.736A>G (p.Thr246Ala)

Gene: FANCL (FA complementation group L; minus strand). Cytogenetic location: 2p16.1.
Variant type: single nucleotide variant.
Coding change: c.736A>G on transcript NM_018062.4 (MANE Select); coding-DNA position 736, A replaced by G.
Protein change: p.Thr246Ala; replaces threonine 246 with alanine.
Molecular consequence: missense variant.
Genome position (GRCh38, 1-based): chr2:58,163,473, T>C on the plus strand (A>G on the coding strand, the complement: FANCL is on the minus strand). VCF-style: chr2-58163473-T-C. GRCh37 (hg19) VCF-style: chr2-58390608-T-C.
Other names: c.751A>G, p.Thr251Ala (NM_001114636.2); c.781A>G, p.Thr261Ala (NM_001374615.1); c.796A>G, p.Thr266Ala (NM_001410792.1); short protein forms T246A, T251A, T261A, T266A.
Identifiers: ClinVar variation 2916550 (VCV002916550.3), dbSNP rs746678210, ClinGen allele CA1670486.